The following is an entry in ClinVar:

ClinVar aggregate classification (germline): Conflicting classifications of pathogenicity. Review status: criteria provided, conflicting classifications (1 of 4 stars). 2 submissions from 2 submitters: Pathogenic (1); Uncertain significance (1). Last evaluated 2024-05-15.

Conditions:
Hereditary spastic paraplegia 39 (SPG39). Also called: SPASTIC PARAPLEGIA 39, AUTOSOMAL RECESSIVE; Spastic Paraplegia Type 39 (SPG39). Identifiers: Orphanet 139480, MedGen C2677586, MONDO:0012787, OMIM 612020.

Submissions (2):

Labcorp Genetics (formerly Invitae), Labcorp
Classification: Pathogenic for Hereditary spastic paraplegia 39. Last evaluated: 2024-05-15. Review status: criteria provided, single submitter. Criteria: Invitae Variant Classification Sherloc (09022015). Collection method: clinical testing. Allele origin: germline.
Comment: This sequence change results in a frameshift in the PNPLA6 gene (p.Pro1292Glnfs*87). While this is not anticipated to result in nonsense mediated decay, it is expected to disrupt the last 36 amino acid(s) of the PNPLA6 protein and extend the protein by 50 additional amino acid residues. This variant is present in population databases (no rsID available, gnomAD 0.0009%). This variant has not been reported in the literature in individuals affected with PNPLA6-related conditions. This variant disrupts a region of the PNPLA6 protein in which other variant(s) (p.Arg1313*) have been determined to be pathogenic (PMID: 29248984, 30555943). This suggests that this is a clinically significant region of the protein, and that variants that disrupt it are likely to be disease-causing. For these reasons, this variant has been classified as Pathogenic.

Blueprint Genetics
Classification: Uncertain significance. Last evaluated: 2021-10-09. Review status: criteria provided, single submitter. Criteria: ACMG Guidelines, 2015. Collection method: clinical testing. Allele origin: germline.

Literature cited by the submitters: PubMed 29248984 (cited by Labcorp Genetics (formerly Invitae), Labcorp); PubMed 30555943 (cited by Labcorp Genetics (formerly Invitae), Labcorp).

NM_001166114.2(PNPLA6):c.3989_4005del (p.Pro1330fs)

Gene: PNPLA6 (patatin like domain 6, lysophospholipase; plus strand). Cytogenetic location: 19p13.2.
Variant type: Deletion.
Coding change: c.3989_4005del on transcript NM_001166114.2 (MANE Select); coding-DNA positions 3989 to 4005, 17 bases deleted (CCGAGGGCGCAAGCCCC).
Protein change: p.Pro1330fs; shifts the reading frame from proline 1330.
Molecular consequence: frameshift variant.
Genome position (GRCh38, 1-based): chr19:7,561,283-7,561,299, CCGAGGGCGCAAGCCCC deleted; deleting any 17 consecutive bases within chr19:7,561,280-7,561,299 gives the same sequence; the c. name uses the placement nearest the transcript's 3' end. VCF-style (leftmost placement, unchanged base first): chr19-7561279-TCCCCCGAGGGCGCAAGC-T. GRCh37 (hg19) VCF-style: chr19-7626165-TCCCCCGAGGGCGCAAGC-T.
Other names: c.4019_4035del, p.Pro1340fs (NM_001166111.2); c.3794_3810del, p.Pro1265fs (NM_001166112.2); c.3875_3891del, p.Pro1292fs (NM_001166113.1, NM_006702.5); short protein forms P1265fs, P1330fs, P1292fs, P1340fs.
Identifiers: ClinVar variation 3704816 (VCV003704816.3).